The following is an entry in ClinVar:

NM_002645.4(PIK3C2A):c.69A>G (p.Ala23=)

Gene: PIK3C2A (phosphatidylinositol-4-phosphate 3-kinase catalytic subunit type 2 alpha; minus strand). Cytogenetic location: 11p15.1.
Variant type: single nucleotide variant.
Coding change: c.69A>G on transcript NM_002645.4 (MANE Select); coding-DNA position 69, A replaced by G.
Protein change: p.Ala23=; no amino-acid change (alanine 23 retained).
Molecular consequence: synonymous variant. On other transcripts: intron variant (1).
Genome position (GRCh38, 1-based): chr11:17,169,673, T>C on the plus strand (A>G on the coding strand, the complement: PIK3C2A is on the minus strand). VCF-style: chr11-17169673-T-C. GRCh37 (hg19) VCF-style: chr11-17191220-T-C.
Other names: c.69A>G, p.Ala23= (NM_001321378.2, NM_001386870.1); c.-75-14044A>G (NM_001321380.2); c.69A>G (NM_001321378.1).
Identifiers: ClinVar variation 2069949 (VCV002069949.6), dbSNP rs61747758, ClinGen allele CA5901631.
Genomic context (GRCh38, chr11:17,169,673, plus strand): 5'-TTGCAGTTTTGCTAAAGCCTCTGCTTCCATCTGTAATGCTTCTTCTTTGTCCACATCTTT[T>C]GCTCTTGTTGGTTCCGGATGTGAAGATGGACATTCTTTAAATCCGCTGTTGCTAGATATC-3'
Protein context (NP_002636.2, residues 13-33): CPSSHPEPTR[Ala23=]KDVDKEEALQ

ClinVar aggregate classification (germline): Likely benign. Review status: criteria provided, single submitter (1 of 4 stars). 2 submissions from 2 submitters: Likely benign (1). 1 of the submissions does not count toward it. Last evaluated 2026-01-05.

Conditions:
PIK3C2A-related disorder. Also called: PIK3C2A-related condition.

Allele frequency attached by ClinVar (database versions not stated): 1000 Genomes Project 0.00020; 1000 Genomes Project 30x 0.00031; ExAC 0.00060; gnomAD 0.00072; gnomAD exomes 0.00091; TOPMed 0.00121; ESP Exome Variant Server 0.00139.
gnomAD v4.1: 1,471 of 1,612,270 alleles (0.091%); highest among the groups gnomAD compares: Non-Finnish European, 0.11%; 2 homozygotes.

Submissions (2):

Labcorp Genetics (formerly Invitae), Labcorp
Classification: Likely benign. Last evaluated: 2026-01-05. Review status: criteria provided, single submitter. Criteria: Invitae Variant Classification Sherloc (09022015). Collection method: clinical testing. Allele origin: germline.

PreventionGenetics, part of Exact Sciences
Classification: Likely benign for PIK3C2A-related condition. Last evaluated: 2020-02-18. Review status: no assertion criteria provided. Collection method: clinical testing. Allele origin: germline. Not counted in ClinVar's aggregate classification.
Comment: This variant is classified as likely benign based on ACMG/AMP sequence variant interpretation guidelines (Richards et al. 2015 PMID: 25741868, with internal and published modifications).